The following is an entry in ClinVar:

NM_000069.3(CACNA1S):c.4947del (p.Asp1650fs)

Gene: CACNA1S (calcium voltage-gated channel subunit alpha1 S; minus strand). Cytogenetic location: 1q32.1.
Variant type: Deletion.
Coding change: c.4947del on transcript NM_000069.3 (MANE Select); coding-DNA position 4947, one base deleted (A; older notation c.4947delA).
Protein change: p.Asp1650fs; shifts the reading frame from aspartic acid 1650.
Molecular consequence: frameshift variant.
Genome position (GRCh38, 1-based): chr1:201,043,382, T deleted on the plus strand (A on the coding strand, the reverse complement: CACNA1S is on the minus strand); the first of 2 consecutive T bases (chr1:201,043,382-201,043,383); deleting either gives the same sequence. VCF-style (leftmost placement, unchanged base first): chr1-201043381-CT-C. GRCh37 (hg19) VCF-style: chr1-201012509-CT-C.
Other names: short protein forms D1650fs.
Identifiers: ClinVar variation 848766 (VCV000848766.11), dbSNP rs772130841, ClinGen allele CA1321789.

ClinVar aggregate classification (germline): Conflicting classifications of pathogenicity. Review status: criteria provided, conflicting classifications (1 of 4 stars). 5 submissions from 5 submitters: Pathogenic (3); Uncertain significance (2). Last evaluated 2025-04-20.

Conditions:
Malignant hyperthermia, susceptibility to, 5 (MHS5). Also called: CACNA1S-Related Malignant Hyperthermia Susceptibility. Identifiers: Orphanet 423, MedGen C1866077, MONDO:0011163, OMIM 601887.
Hypokalemic periodic paralysis, type 1. Also called: Hypokalemic Periodic Paralysis Type 1 (AD); HypoPP. Identifiers: Orphanet 681, MedGen C3714580, MONDO:0042979, OMIM 170400.
Thyrotoxic periodic paralysis, susceptibility to, 1 (TTPP1). Identifiers: Orphanet 79102, MedGen C2749982, MONDO:0008570, OMIM 188580.
Congenital myopathy 18. Also called: Myopathy, congenital, due to dihydropyridine receptor defect; DIHYDROPYRIDINE RECEPTOR CONGENITAL MYOPATHY; DHPR CONGENITAL MYOPATHY. Identifiers: MedGen C5830283, MONDO:0859514, OMIM 620246.

Submissions (5):

GeneDx
Classification: Pathogenic. Last evaluated: 2025-04-20. Review status: criteria provided, single submitter. Criteria: GeneDx Variant Classification Process June 2021. Collection method: clinical testing. Allele origin: germline. Affected: yes.
Comment: Frameshift variant predicted to result in protein truncation or nonsense mediated decay in a gene for which loss of function is a known mechanism of disease; Not observed at significant frequency in large population cohorts (gnomAD); This variant is associated with the following publications: (PMID: 26247046, 28012042)

All of Us Research Program, National Institutes of Health
Classification: Uncertain significance for Malignant hyperthermia, susceptibility to, 5. Last evaluated: 2024-08-06. Review status: criteria provided, single submitter. Criteria: ACMG Guidelines, 2015. Collection method: clinical testing. Allele origin: germline. Inheritance: Autosomal dominant inheritance. Observed: 4 variant alleles, 4 heterozygotes.
Comment: This variant deletes 1 nucleotide in exon 40 of the CACNA1S gene, creating a frameshift and premature translation stop signal. This variant is expected to result in an absent or non-functional protein product. This variant has not been reported in individuals affected with autosomal dominant malignant hyperthermia in the literature. This variant has been identified in 1/31384 chromosomes in the general population by the Genome Aggregation Database (gnomAD). Loss of CACNA1S gene function due to truncation variants is not an established disease mechanism for autosomal dominant malignant hyperthermia, although it is associated with other phenotype(s) (ClinVar Variation ID: 823180; PMID: 26247046, 28012042). Due to insufficient evidence, this variant is classified as a Variant of Uncertain Significance for autosomal dominant malignant hyperthermia.

This study involves interpretation of variants in research participants for the purpose of population health screening. Participant phenotype was not available at the time of variant classification. Additional details can be found in publication PMID: 35346344, PMCID: PMC8962531

Fulgent Genetics
Classification: Pathogenic for Hypokalemic periodic paralysis, type 1; Thyrotoxic periodic paralysis, susceptibility to, 1; Malignant hyperthermia, susceptibility to, 5; Congenital myopathy 18. Last evaluated: 2024-06-04. Review status: criteria provided, single submitter. Criteria: ACMG Guidelines, 2015. Collection method: clinical testing. Allele origin: germline.

Color Diagnostics, LLC DBA Color Health
Classification: Uncertain significance for Malignant hyperthermia, susceptibility to, 5. Last evaluated: 2024-03-13. Review status: criteria provided, single submitter. Criteria: ACMG Guidelines, 2015. Collection method: clinical testing. Allele origin: germline.
Comment: This variant deletes 1 nucleotide in exon 40 of the CACNA1S gene, creating a frameshift and premature translation stop signal. This variant is expected to result in an absent or non-functional protein product. This variant has not been reported in individuals affected with autosomal dominant malignant hyperthermia in the literature. This variant has been identified in 1/31384 chromosomes in the general population by the Genome Aggregation Database (gnomAD). Loss of CACNA1S gene function due to truncation variants is not an established disease mechanism for autosomal dominant malignant hyperthermia, although it is associated with other phenotype(s) (ClinVar Variation ID: 823180PMID: 26247046, 28012042). Due to insufficient evidence, this variant is classified as a Variant of Uncertain Significance for autosomal dominant malignant hyperthermia.

Labcorp Genetics (formerly Invitae), Labcorp
Classification: Pathogenic for Hypokalemic periodic paralysis, type 1; Malignant hyperthermia, susceptibility to, 5. Last evaluated: 2022-02-28. Review status: criteria provided, single submitter. Criteria: Invitae Variant Classification Sherloc (09022015). Collection method: clinical testing. Allele origin: germline.
Comment: This sequence change creates a premature translational stop signal (p.Asp1650Ilefs*73) in the CACNA1S gene. It is expected to result in an absent or disrupted protein product. Loss-of-function variants in CACNA1S are known to be pathogenic (PMID: 26247046, 28012042). This variant is present in population databases (rs772130841, gnomAD 0.004%). This premature translational stop signal has been observed in individual(s) with congenital myopathy (PMID: 26247046). In at least one individual the data is consistent with being in trans (on the opposite chromosome) from a pathogenic variant. ClinVar contains an entry for this variant (Variation ID: 848766). For these reasons, this variant has been classified as Pathogenic.

Literature cited by the submitters: PubMed 26247046 (cited by All of Us Research Program, National Institutes of Health and Labcorp Genetics (formerly Invitae), Labcorp); PubMed 28012042 (cited by All of Us Research Program, National Institutes of Health and Labcorp Genetics (formerly Invitae), Labcorp).